The following is an entry in ClinVar:

ClinVar aggregate classification (germline): Uncertain significance (0 of 4 stars; one submission).

Conditions:
GRIK2-related disorder. Also called: GRIK2-related condition.

Submission:

PreventionGenetics, part of Exact Sciences
Classification: Uncertain significance for GRIK2-related condition. Last evaluated: 2024-08-23. Review status: no assertion criteria provided. Collection method: clinical testing. Allele origin: germline.
Comment: The GRIK2 c.1505T>C variant is predicted to result in the amino acid substitution p.Val502Ala. To our knowledge, this variant has not been reported in the literature or in a large population database, indicating this variant is rare. At this time, the clinical significance of this variant is uncertain due to the absence of conclusive functional and genetic evidence.

NM_021956.5(GRIK2):c.1505T>C (p.Val502Ala)

Gene: GRIK2 (glutamate ionotropic receptor kainate type subunit 2; plus strand). Cytogenetic location: 6q16.3.
Variant type: single nucleotide variant.
Coding change: c.1505T>C on transcript NM_021956.5 (MANE Select); coding-DNA position 1505, T replaced by C.
Protein change: p.Val502Ala; replaces valine 502 with alanine.
Molecular consequence: missense variant.
Genome position (GRCh38, 1-based): chr6:101,859,474, T>C. VCF-style: chr6-101859474-T-C. GRCh37 (hg19) VCF-style: chr6-102307349-T-C.
Other names: c.1505T>C, p.Val502Ala (NM_001166247.1, NM_175768.3); short protein forms V502A.
Identifiers: ClinVar variation 3344774 (VCV003344774.1).
Genomic context (GRCh38, chr6:101,859,474, plus strand): 5'-TTGTGGAAGATGGGAAATATGGAGCCCAGGATGATGCCAATGGACAATGGAATGGAATGG[T>C]TCGTGAACTAATTGATCATGTAAGTCCCTTCCCTCATGATTTATTAGTTTGTTATGTTGC-3'
Protein context (NP_068775.1, residues 492-512): DDANGQWNGM[Val502Ala]RELIDHKADL